The following is an entry in ClinVar:

NM_004036.5(ADCY3):c.1196+6del

Gene: ADCY3 (adenylate cyclase 3; minus strand). Cytogenetic location: 2p23.3.
Variant type: Deletion.
Coding change: c.1196+6del on transcript NM_004036.5 (MANE Select); 6 bases into the intron after coding-DNA position 1196, one base deleted (T; older notation c.1196+6delT).
Molecular consequence: intron variant.
Genome position (GRCh38, 1-based): chr2:24,841,253, A deleted on the plus strand (T on the coding strand, the reverse complement: ADCY3 is on the minus strand). VCF-style (leftmost placement, unchanged base first): chr2-24841252-CA-C. GRCh37 (hg19) VCF-style: chr2-25064121-CA-C.
Other names: c.1196+6del (NM_001377130.1, NM_001377129.1, NM_001320613.2 and 2 more transcripts); c.473+6del (NM_001377131.1).
Identifiers: ClinVar variation 3344409 (VCV003344409.1).

ClinVar aggregate classification (germline): Likely benign (0 of 4 stars; one submission).

Conditions:
ADCY3-related disorder. Also called: ADCY3-related condition.

Submission:

PreventionGenetics, part of Exact Sciences
Classification: Likely benign for ADCY3-related condition. Last evaluated: 2024-07-03. Review status: no assertion criteria provided. Collection method: clinical testing. Allele origin: germline.
Comment: This variant is classified as likely benign based on ACMG/AMP sequence variant interpretation guidelines (Richards et al. 2015 PMID: 25741868, with internal and published modifications).